The following is an entry in ClinVar:

NM_005902.4(SMAD3):c.756G>A (p.Gln252=)

Gene: SMAD3 (SMAD family member 3; plus strand). Cytogenetic location: 15q22.33.
Variant type: single nucleotide variant.
Coding change: c.756G>A on transcript NM_005902.4 (MANE Select); coding-DNA position 756, G replaced by A.
Protein change: p.Gln252=; no amino-acid change (glutamine 252 retained).
Molecular consequence: synonymous variant.
Genome position (GRCh38, 1-based): chr15:67,181,338, G>A. VCF-style: chr15-67181338-G-A. GRCh37 (hg19) VCF-style: chr15-67473676-G-A.
Other names: c.441G>A, p.Gln147= (NM_001145102.2); c.624G>A, p.Gln208= (NM_001145103.2); c.171G>A, p.Gln57= (NM_001145104.2).
Identifiers: ClinVar variation 927403 (VCV000927403.12), dbSNP rs1278345256, ClinGen allele CA490915215.

ClinVar aggregate classification (germline): Likely benign. Review status: criteria provided, multiple submitters, no conflicts (2 of 4 stars). 4 submissions from 4 submitters: Likely benign (4). Last evaluated 2026-01-17.

Conditions:
Familial thoracic aortic aneurysm and aortic dissection (TAAD). Also called: Thoracic aortic aneurysms and dissections. Identifiers: Orphanet 91387, MedGen C4707243, MONDO:0019625.
Aneurysm-osteoarthritis syndrome. Also called: Loeys-Dietz syndrome, type 1C; LOEYS-DIETZ SYNDROME WITH OSTEOARTHRITIS; SMAD3-Related Loeys-Dietz Syndrome; ANEURYSMS-OSTEOARTHRITIS SYNDROME. Identifiers: Orphanet 284984, MedGen C3151087, MONDO:0013426, OMIM 613795.

Allele frequency attached by ClinVar (database versions not stated): gnomAD exomes below 0.00001 and 0.00001; TOPMed 0.00003.
gnomAD v4.1: 11 of 1,614,140 alleles (0.00068%); highest among the groups gnomAD compares: Admixed American, 0.0017%; no homozygotes.

Submissions (4):

Labcorp Genetics (formerly Invitae), Labcorp
Classification: Likely benign for Familial thoracic aortic aneurysm and aortic dissection. Last evaluated: 2026-01-17. Review status: criteria provided, single submitter. Criteria: Invitae Variant Classification Sherloc (09022015). Collection method: clinical testing. Allele origin: germline.

All of Us Research Program, National Institutes of Health
Classification: Likely benign for Aneurysm-osteoarthritis syndrome. Last evaluated: 2024-02-05. Review status: criteria provided, single submitter. Criteria: ACMG Guidelines, 2015. Collection method: clinical testing. Allele origin: germline. Inheritance: Autosomal dominant inheritance. Observed: 4 variant alleles, 4 heterozygotes.
Comment: This study involves interpretation of variants in research participants for the purpose of population health screening. Participant phenotype was not available at the time of variant classification. Additional details can be found in publication PMID: 35346344, PMCID: PMC8962531

Ambry Genetics
Classification: Likely benign for Familial thoracic aortic aneurysm and aortic dissection. Last evaluated: 2020-07-23. Review status: criteria provided, single submitter. Criteria: Ambry Variant Classification Scheme 2023. Collection method: clinical testing. Allele origin: germline.

Color Diagnostics, LLC DBA Color Health
Classification: Likely benign for Familial thoracic aortic aneurysm and aortic dissection. Last evaluated: 2019-04-26. Review status: criteria provided, single submitter. Criteria: ACMG Guidelines, 2015. Collection method: clinical testing. Allele origin: germline.